The following is an entry in ClinVar:

NM_001085487.3(MYSM1):c.1348C>T (p.His450Tyr)

Gene: MYSM1 (Myb like, SWIRM and MPN domains 1; minus strand). Cytogenetic location: 1p32.1.
Variant type: single nucleotide variant.
Coding change: c.1348C>T on transcript NM_001085487.3 (MANE Select); coding-DNA position 1348, C replaced by T.
Protein change: p.His450Tyr; replaces histidine 450 with tyrosine.
Molecular consequence: missense variant.
Genome position (GRCh38, 1-based): chr1:58,676,968, G>A on the plus strand (C>T on the coding strand, the complement: MYSM1 is on the minus strand). VCF-style: chr1-58676968-G-A. GRCh37 (hg19) VCF-style: chr1-59142640-G-A.
Other names: c.1348C>T (NM_001085487.2); short protein forms H450Y.
Identifiers: ClinVar variation 1943227 (VCV001943227.6), dbSNP rs1030654515, ClinGen allele CA22869139.

ClinVar aggregate classification (germline): Uncertain significance. Review status: criteria provided, multiple submitters, no conflicts (2 of 4 stars). 2 submissions from 2 submitters: Uncertain significance (2). Last evaluated 2023-12-11.

Conditions:
Inborn genetic diseases. Identifiers: MedGen C0950123, MeSH D030342.

Allele frequency attached by ClinVar (database versions not stated): gnomAD exomes below 0.00001; TOPMed 0.00002; gnomAD 0.00003.
gnomAD v4.1: 10 of 1,612,450 alleles (0.00062%); highest among the groups gnomAD compares: South Asian, 0.0011%; no homozygotes.

Submissions (2):

Labcorp Genetics (formerly Invitae), Labcorp
Classification: Uncertain significance. Last evaluated: 2023-12-11. Review status: criteria provided, single submitter. Criteria: Invitae Variant Classification Sherloc (09022015). Collection method: clinical testing. Allele origin: germline.
Comment: This sequence change replaces histidine, which is basic and polar, with tyrosine, which is neutral and polar, at codon 450 of the MYSM1 protein (p.His450Tyr). This variant is not present in population databases (gnomAD no frequency). This variant has not been reported in the literature in individuals affected with MYSM1-related conditions. ClinVar contains an entry for this variant (Variation ID: 1943227). Advanced modeling of protein sequence and biophysical properties (such as structural, functional, and spatial information, amino acid conservation, physicochemical variation, residue mobility, and thermodynamic stability) performed at Invitae indicates that this missense variant is expected to disrupt MYSM1 protein function with a positive predictive value of 80%. In summary, the available evidence is currently insufficient to determine the role of this variant in disease. Therefore, it has been classified as a Variant of Uncertain Significance.

Ambry Genetics
Classification: Uncertain significance for Inborn genetic diseases. Last evaluated: 2023-09-21. Review status: criteria provided, single submitter. Criteria: Ambry Variant Classification Scheme 2023. Collection method: clinical testing. Allele origin: germline.